The following is an entry in ClinVar:

NM_001375524.1(TRRAP):c.8891A>G (p.Asn2964Ser)

Gene: TRRAP (transformation/transcription domain associated protein; plus strand). Cytogenetic location: 7q22.1.
Variant type: single nucleotide variant.
Coding change: c.8891A>G on transcript NM_001375524.1 (MANE Select); coding-DNA position 8891, A replaced by G.
Protein change: p.Asn2964Ser; replaces asparagine 2964 with serine.
Molecular consequence: missense variant.
Genome position (GRCh38, 1-based): chr7:98,983,328, A>G. VCF-style: chr7-98983328-A-G. GRCh37 (hg19) VCF-style: chr7-98580951-A-G.
Other names: c.8870A>G, p.Asn2957Ser (NM_001244580.2); c.8816A>G, p.Asn2939Ser (NM_003496.4); short protein forms N2957S, N2964S, N2939S.
Identifiers: ClinVar variation 2387076 (VCV002387076.5), dbSNP rs376895026, ClinGen allele CA4361579.
Genomic context (GRCh38, chr7:98,983,328, plus strand): 5'-CCCAGCAAATCATCGAACTCCAGGAAGCTGCACAAATCAACGCAGGCTTACAGCCAACCA[A>G]CCTGGGAAGGAACAACAGCCTGCACGACATGAAGACGGTGGTGAAGACCTGGAGGAACCG-3'
Protein context (NP_001362453.1, residues 2954-2974): AQINAGLQPT[Asn2964Ser]LGRNNSLHDM

ClinVar aggregate classification (germline): Uncertain significance. Review status: criteria provided, multiple submitters, no conflicts (2 of 4 stars). 2 submissions from 2 submitters: Uncertain significance (2). Last evaluated 2025-07-10.

Conditions:
Inborn genetic diseases. Identifiers: MedGen C0950123, MeSH D030342.

Allele frequency attached by ClinVar (database versions not stated): gnomAD 0.00001; gnomAD exomes below 0.00001; ExAC 0.00001; TOPMed 0.00002; ESP Exome Variant Server 0.00008.
gnomAD v4.1: 7 of 1,614,034 alleles (0.00043%); highest among the groups gnomAD compares: African/African-American, 0.004%; no homozygotes.

Submissions (2):

Labcorp Genetics (formerly Invitae), Labcorp
Classification: Uncertain significance. Last evaluated: 2025-07-10. Review status: criteria provided, single submitter. Criteria: Invitae Variant Classification Sherloc (09022015). Collection method: clinical testing. Allele origin: germline.
Comment: This sequence change replaces asparagine, which is neutral and polar, with serine, which is neutral and polar, at codon 2939 of the TRRAP protein (p.Asn2939Ser). This variant is present in population databases (rs376895026, gnomAD 0.007%). This variant has not been reported in the literature in individuals affected with TRRAP-related conditions. ClinVar contains an entry for this variant (Variation ID: 2387076). Invitae Evidence Modeling of protein sequence and biophysical properties (such as structural, functional, and spatial information, amino acid conservation, physicochemical variation, residue mobility, and thermodynamic stability) indicates that this missense variant is not expected to disrupt TRRAP protein function with a negative predictive value of 80%. In summary, the available evidence is currently insufficient to determine the role of this variant in disease. Therefore, it has been classified as a Variant of Uncertain Significance.

Ambry Genetics
Classification: Uncertain significance for Inborn genetic diseases. Last evaluated: 2021-11-16. Review status: criteria provided, single submitter. Criteria: Ambry Variant Classification Scheme 2023. Collection method: clinical testing. Allele origin: germline.